The following is an entry in ClinVar:

ClinVar aggregate classification (germline): Conflicting classifications of pathogenicity. Review status: criteria provided, conflicting classifications (1 of 4 stars). 4 submissions from 4 submitters: Uncertain significance (3); Likely benign (1). Last evaluated 2026-08-03.

Conditions:
SH2B1-related disorder. Also called: SH2B1-related condition.

Allele frequency attached by ClinVar (database versions not stated): TOPMed 0.00132; ESP Exome Variant Server 0.00139; 1000 Genomes Project 0.00160; 1000 Genomes Project 30x 0.00203; gnomAD exomes 0.00011 and 0.00033; ExAC 0.00039; gnomAD 0.00118 and 0.00124.

Submissions (4):

PreventionGenetics, part of Exact Sciences
Classification: Uncertain significance for SH2B1-related condition. Last evaluated: 2026-08-03. Review status: criteria provided, single submitter. Criteria: ACMG Guidelines, 2015. Collection method: clinical testing. Allele origin: germline.
Comment: The SH2B1 c.269C>A variant is predicted to result in the amino acid substitution p.Pro90His. This variant has been reported in the heterozygous state in at least three individuals with severe obesity and hyperinsulinemia (Doche et al. 2012. PubMed ID: 23160192; Foucan et al. 2018. PubMed ID: 29216354). However, this variant is reported in 0.46% of alleles in individuals of African descent in gnomAD. Functional studies of this variant were inconclusive (Doche et al. 2012. PubMed ID: 23160192; Jiang et al. 2018. PubMed ID: 29180441). Although we suspect that this variant may be benign, the clinical significance of this variant is classified as uncertain at this time due to insufficient functional and genetic evidence.

Labcorp Genetics (formerly Invitae), Labcorp
Classification: Likely benign. Last evaluated: 2026-01-15. Review status: criteria provided, single submitter. Criteria: Invitae Variant Classification Sherloc (09022015). Collection method: clinical testing. Allele origin: germline.

GeneDx
Classification: Uncertain significance. Last evaluated: 2022-12-29. Review status: criteria provided, single submitter. Criteria: GeneDx Variant Classification Process June 2021. Collection method: clinical testing. Allele origin: germline. Affected: yes.
Comment: Published functional studies demonstrate a damaging effect, as this variant impaired NGF-induced neuronal differentiation, impaired ability to accumulate in the nucleus, and inhibited GH-induced cell migration (Doche et al., 2012); In silico analysis supports that this missense variant does not alter protein structure/function; This variant is associated with the following publications: (PMID: 24971614, 23160192, 26421979, 29180441, 29216354, 36436143, 35019135)

Genetic Services Laboratory, University of Chicago
Classification: Uncertain significance. Last evaluated: 2021-07-23. Review status: criteria provided, single submitter. Criteria: ACMG Guidelines, 2015. Collection method: clinical testing. Allele origin: germline. Affected: no.
Comment: DNA sequence analysis of the SH2B1 gene demonstrated a sequence change, c.269C>A, in exon 2 that results in an amino acid change, p.Pro90His. This sequence change has been described in the gnomAD database with relative frequency, 0.46%, in the African/African-American subpopulation (dbSNP rs149091795). The p.Pro90His change affects a moderately conserved amino acid residue located in a domain of the SH2B1 protein that is not known to be functional. In-silico pathogenicity prediction tools (SIFT, PolyPhen2, Align GVGD, REVEL) provide contradictory results for the p.Pro90His substitution. This sequence change has been reported in individuals with obesity and hyperinsulinemia and this variant impaired the ability of SH2B1√é¬≤ to enhance neuronal differentiation compared with the wild-type protein (PMID: 29216354, 23160192). Due to insufficient evidences, the clinical significance of the p.Pro90His change remains unknown at this time.

NM_001387430.1(SH2B1):c.269C>A (p.Pro90His)

Gene: SH2B1 (SH2B adaptor protein 1; plus strand). Cytogenetic location: 16p11.2.
Variant type: single nucleotide variant.
Coding change: c.269C>A on transcript NM_001387430.1 (MANE Select); coding-DNA position 269, C replaced by A.
Protein change: p.Pro90His; replaces proline 90 with histidine.
Molecular consequence: missense variant. On other transcripts: intron variant (1).
Genome position (GRCh38, 1-based): chr16:28,866,363, C>A. VCF-style: chr16-28866363-C-A. GRCh37 (hg19) VCF-style: chr16-28877684-C-A.
Other names: c.269C>A, p.Pro90His (NM_001145795.2, NM_001145796.2, NM_001145797.2 and 4 more transcripts); c.-26-1011C>A (NM_001308294.2); short protein forms P90H.
Identifiers: ClinVar variation 727734 (VCV000727734.20), dbSNP rs149091795, ClinGen allele CA7985888.